The following is an entry in ClinVar:

ClinVar aggregate classification (germline): Uncertain significance (1 of 4 stars; one submission).

Conditions:
Juvenile polyposis syndrome (JPS). Identifiers: Orphanet 2929, MedGen C0345893, MONDO:0017380, OMIM 174900.

Submission:

Labcorp Genetics (formerly Invitae), Labcorp
Classification: Uncertain significance for Juvenile polyposis syndrome. Last evaluated: 2021-11-25. Review status: criteria provided, single submitter. Criteria: Invitae Variant Classification Sherloc (09022015). Collection method: clinical testing. Allele origin: germline.
Comment: This variant is not present in population databases (gnomAD no frequency). This sequence change replaces glycine, which is neutral and non-polar, with serine, which is neutral and polar, at codon 471 of the SMAD4 protein (p.Gly471Ser). This variant has not been reported in the literature in individuals affected with SMAD4-related conditions. In summary, the available evidence is currently insufficient to determine the role of this variant in disease. Therefore, it has been classified as a Variant of Uncertain Significance. Algorithms developed to predict the effect of missense changes on protein structure and function are either unavailable or do not agree on the potential impact of this missense change (SIFT: "Tolerated"; PolyPhen-2: "Possibly Damaging"; Align-GVGD: "Class C0").

NM_005359.6(SMAD4):c.1411G>A (p.Gly471Ser)

Gene: SMAD4 (SMAD family member 4; plus strand). Cytogenetic location: 18q21.2.
Variant type: single nucleotide variant.
Coding change: c.1411G>A on transcript NM_005359.6 (MANE Select); coding-DNA position 1411, G replaced by A.
Protein change: p.Gly471Ser; replaces glycine 471 with serine.
Molecular consequence: missense variant.
Genome position (GRCh38, 1-based): chr18:51,076,740, G>A. VCF-style: chr18-51076740-G-A. GRCh37 (hg19) VCF-style: chr18-48603110-G-A.
Other names: short protein forms G471S.
Identifiers: ClinVar variation 1353556 (VCV001353556.6), dbSNP rs2144474442, ClinGen allele CA402465321.
Genomic context (GRCh38, chr18:51,076,740, plus strand): 5'-GCGGCTACTGCACAAGCTGCAGCAGCTGCCCAGGCAGCAGCCGTGGCAGGAAACATCCCT[G>A]GCCCAGGATCAGTAGGTGGAATAGCTCCAGCTATCAGTAAGTATGCTTTTCATTCTTTTT-3'
Protein context (NP_005350.1, residues 461-481): QAAAVAGNIP[Gly471Ser]PGSVGGIAPA